The following is an entry in ClinVar:

NM_001164508.2(NEB):c.2523+2T>A

Gene: NEB (nebulin; minus strand). Cytogenetic location: 2q23.3.
Variant type: single nucleotide variant.
Coding change: c.2523+2T>A on transcript NM_001164508.2 (MANE Select); the canonical splice donor site of the intron after coding-DNA position 2523, T replaced by A.
Molecular consequence: splice donor variant.
Genome position (GRCh38, 1-based): chr2:151,687,624, A>T on the plus strand (T>A on the coding strand, the complement: NEB is on the minus strand). VCF-style: chr2-151687624-A-T. GRCh37 (hg19) VCF-style: chr2-152544138-A-T.
Other names: c.2523+2T>A (NM_004543.5, NM_001164507.2, NM_001271208.2).
Identifiers: ClinVar variation 967912 (VCV000967912.8), dbSNP rs2099513404, ClinGen allele CA348822785.

ClinVar aggregate classification (germline): Likely pathogenic (1 of 4 stars; one submission).

Conditions:
Nemaline myopathy 2 (NEM2). Also called: Nemaline myopathy 2, autosomal recessive. Identifiers: MedGen C1850569, MONDO:0009725, OMIM 256030.

Submission:

Labcorp Genetics (formerly Invitae), Labcorp
Classification: Likely pathogenic for Nemaline myopathy 2. Last evaluated: 2019-10-17. Review status: criteria provided, single submitter. Criteria: Invitae Variant Classification Sherloc (09022015). Collection method: clinical testing. Allele origin: germline.
Comment: In summary, the currently available evidence indicates that the variant is pathogenic, but additional data are needed to prove that conclusively. Therefore, this variant has been classified as Likely Pathogenic. Donor and acceptor splice site variants typically lead to a loss of protein function (PMID: 16199547), and loss-of-function variants in NEB are known to be pathogenic (PMID: 25205138). Algorithms developed to predict the effect of sequence changes on RNA splicing suggest that this variant may disrupt the consensus splice site, but this prediction has not been confirmed by published transcriptional studies. This variant has not been reported in the literature in individuals with NEB-related conditions. This variant is not present in population databases (ExAC no frequency). This sequence change affects a donor splice site in intron 26 of the NEB gene. It is expected to disrupt RNA splicing and likely results in an absent or disrupted protein product.

Literature cited by the submitters: PubMed 16199547; PubMed 25205138.